The following is an entry in ClinVar:

ClinVar aggregate classification (germline): Pathogenic (1 of 4 stars; one submission).

Conditions:
Hereditary cancer-predisposing syndrome. Also called: Hereditary Cancer Syndrome; Hereditary neoplastic syndrome; Neoplastic Syndromes, Hereditary; Tumor predisposition. Identifiers: Orphanet 140162, MedGen C0027672, MeSH D009386, MONDO:0015356.

Submission:

Ambry Genetics
Classification: Pathogenic for Hereditary cancer-predisposing syndrome. Last evaluated: 2022-03-18. Review status: criteria provided, single submitter. Criteria: Ambry Variant Classification Scheme 2023. Collection method: clinical testing. Allele origin: germline.
Comment: The c.1217dupT pathogenic mutation, located in coding exon 11 of the PMS2 gene, results from a duplication of T at nucleotide position 1217, causing a translational frameshift with a predicted alternate stop codon (p.L406Ffs*52). This alteration is expected to result in loss of function by premature protein truncation or nonsense-mediated mRNA decay. As such, this alteration is interpreted as a disease-causing mutation.

NM_000535.7(PMS2):c.1217dup (p.Leu406fs)

Gene: PMS2 (PMS1 homolog 2, mismatch repair system component; minus strand). Cytogenetic location: 7p22.1.
Variant type: Duplication.
Coding change: c.1217dup on transcript NM_000535.7 (MANE Select); coding-DNA position 1217, one base duplicated (T; older notation c.1217dupT).
Protein change: p.Leu406fs; shifts the reading frame from leucine 406.
Molecular consequence: frameshift variant. On other transcripts: non-coding transcript variant (1).
Genome position (GRCh38, 1-based): chr7:5,987,548, A duplicated on the plus strand (T on the coding strand, the reverse complement: PMS2 is on the minus strand); the first of 2 consecutive A bases (chr7:5,987,548-5,987,549); duplicating either gives the same sequence. VCF-style (leftmost placement, unchanged base first): chr7-5987547-T-TA. GRCh37 (hg19) VCF-style: chr7-6027178-T-TA.
Other names: c.811dup, p.Leu271Phefs (NM_001018040.1, NM_001406887.1, NM_001406888.1 and 13 more transcripts); c.812dup, p.Leu271fs (NM_001322003.2, NM_001322004.2, NM_001322005.2 and 1 more transcripts); c.1061dup, p.Leu354fs (NM_001322006.2); c.899dup, p.Leu300fs (NM_001322007.2, NM_001322008.2); c.656dup, p.Leu219fs (NM_001322010.2); c.284dup, p.Leu95fs (NM_001322011.2, NM_001322012.2); c.644dup, p.Leu215fs (NM_001322013.2); c.1217dup, p.Leu406fs (NM_001322014.2); and 20 more; short protein forms L300fs, L215fs, L303fs, L219fs, L354fs, L406fs, L271fs, L95fs.
Identifiers: ClinVar variation 1751997 (VCV001751997.2), dbSNP rs2535832871, ClinGen allele CA2580076982.